The following is an entry in ClinVar:

ClinVar aggregate classification (germline): Uncertain significance (1 of 4 stars; one submission).

Submission:

Women's Health and Genetics/Laboratory Corporation of America, LabCorp
Classification: Uncertain significance. Last evaluated: 2024-11-11. Review status: criteria provided, single submitter. Criteria: LabCorp Variant Classification Summary - May 2015. Collection method: clinical testing. Allele origin: germline.
Comment: Variant summary: IGFALS c.1262G>A (p.Gly421Asp) results in a non-conservative amino acid change in the encoded protein sequence. Four of five in-silico tools predict a benign effect of the variant on protein function. The variant was absent in 242042 control chromosomes. The available data on variant occurrences in the general population are insufficient to allow any conclusion about variant significance. To our knowledge, no occurrence of c.1262G>A in individuals affected with Short Stature Due To Primary Acid-Labile Subunit Deficiency and no experimental evidence demonstrating its impact on protein function have been reported. No submitters have cited clinical-significance assessments for this variant to ClinVar. Based on the evidence outlined above, the variant was classified as uncertain significance.

NM_004970.3(IGFALS):c.1262G>A (p.Gly421Asp)

Gene: IGFALS (insulin like growth factor binding protein acid labile subunit; minus strand). Cytogenetic location: 16p13.3.
Variant type: single nucleotide variant.
Coding change: c.1262G>A on transcript NM_004970.3 (MANE Select); coding-DNA position 1262, G replaced by A.
Protein change: p.Gly421Asp; replaces glycine 421 with aspartic acid.
Molecular consequence: missense variant. On other transcripts: non-coding transcript variant (1).
Genome position (GRCh38, 1-based): chr16:1,791,156, C>T on the plus strand (G>A on the coding strand, the complement: IGFALS is on the minus strand). VCF-style: chr16-1791156-C-T. GRCh37 (hg19) VCF-style: chr16-1841157-C-T.
Other names: c.1376G>A, p.Gly459Asp (NM_001146006.2); short protein forms G421D, G459D.
Identifiers: ClinVar variation 3629713 (VCV003629713.1).